The following is an entry in ClinVar:

NM_001378418.1(TCF20):c.526C>T (p.Gln176Ter)

Gene: TCF20 (transcription factor 20; minus strand). Cytogenetic location: 22q13.2.
Variant type: single nucleotide variant.
Coding change: c.526C>T on transcript NM_001378418.1 (MANE Select); coding-DNA position 526, C replaced by T.
Protein change: p.Gln176Ter; replaces glutamine 176 with a stop codon.
Molecular consequence: nonsense.
Genome position (GRCh38, 1-based): chr22:42,214,780, G>A on the plus strand (C>T on the coding strand, the complement: TCF20 is on the minus strand). VCF-style: chr22-42214780-G-A. GRCh37 (hg19) VCF-style: chr22-42610786-G-A.
Other names: c.526C>T, p.Gln176Ter (NM_005650.4, NM_181492.3); short protein forms Q176*.
Identifiers: ClinVar variation 3775385 (VCV003775385.1).

ClinVar aggregate classification (germline): Likely pathogenic (1 of 4 stars; one submission).

Conditions:
Developmental delay with variable intellectual impairment and behavioral abnormalities. Identifiers: MedGen C5193092, MONDO:0032745, OMIM 618430.

Submission:

3billion
Classification: Likely pathogenic for Developmental delay with variable intellectual impairment and behavioral abnormalities. Last evaluated: 2024-01-23. Review status: criteria provided, single submitter. Criteria: ACMG Guidelines, 2015. Collection method: clinical testing. Allele origin: germline. Affected: yes.
Comment: The variant is not observed in the gnomAD v2.1.1 dataset. Predicted Consequence/Location: Stop-gained (nonsense): predicted to result in a loss or disruption of normal protein function through nonsense-mediated decay (NMD) or protein truncation. Multiple pathogenic variants are reported downstream of the variant. Therefore, this variant is classified as Likely pathogenic according to the recommendation of ACMG/AMP guideline.